The following is an entry in ClinVar:

ClinVar aggregate classification (germline): Conflicting classifications of pathogenicity. Review status: criteria provided, conflicting classifications (1 of 4 stars). 13 submissions from 13 submitters: Pathogenic (3); Likely pathogenic (6); Uncertain significance (4). Last evaluated 2025-12-11.

Conditions:
Hereditary breast ovarian cancer syndrome. Also called: Hereditary breast and ovarian cancer syndrome; Hereditary breast and ovarian cancer; Hereditary breast and ovarian cancer syndrome (HBOC); Breast and ovarian cancer; Hereditary breast and/or ovarian cancer syndrome; BRCA1- and BRCA2-Associated Hereditary Breast and Ovarian Cancer. Identifiers: Orphanet 145, MedGen C0677776, MeSH D061325, MONDO:0003582. Disease mechanism: loss of function.
Fanconi anemia complementation group O. Also called: RAD51C-Related Fanconi Anemia. Identifiers: Orphanet 84, MedGen C3150653, MONDO:0013248, OMIM 613390.
Breast-ovarian cancer, familial, susceptibility to, 3. Also called: RAD51C-Related Breast/Ovarian Cancer. Identifiers: Orphanet 145, MedGen C3150659, MONDO:0013253, OMIM 613399.
Hereditary cancer-predisposing syndrome. Also called: Neoplastic Syndromes, Hereditary; Tumor predisposition; Hereditary Cancer Syndrome; Hereditary neoplastic syndrome. Identifiers: Orphanet 140162, MedGen C0027672, MeSH D009386, MONDO:0015356.

Allele frequency attached by ClinVar (database versions not stated): gnomAD exomes below 0.00001 and 0.00002; ExAC 0.00002; gnomAD 0.00002 and 0.00003; 1000 Genomes Project 30x 0.00016; 1000 Genomes Project 0.00020.
gnomAD v4.1: 9 of 1,613,882 alleles (0.00056%); highest among the groups gnomAD compares: East Asian, 0.02%; no homozygotes.

Submissions 1 to 8 of 13:

Medical and Scientific Branch, Hong Kong Genome Institute
Classification: Pathogenic for Breast-ovarian cancer, familial, susceptibility to, 3. Last evaluated: 2025-12-11. Review status: criteria provided, single submitter. Criteria: ACMG Guidelines, 2015. Collection method: clinical testing. Allele origin: germline. Affected: yes.

Ambry Genetics
Classification: Uncertain significance for Hereditary cancer-predisposing syndrome. Last evaluated: 2025-11-26. Review status: criteria provided, single submitter. Criteria: Ambry Variant Classification Scheme 2023. Collection method: clinical testing. Allele origin: germline.
Comment: The c.571+5G>A intronic variant results from a G to A substitution 5 nucleotides after coding exon 3 in the RAD51C gene. Additionally, this variant has been reported in conjunction with another variant in RAD51C in an individual diagnosed with clinical features of Fanconi anemia (Jacquinet A et al. Eur J Med Genet, 2018 May;61:257-261). In a homology-directed DNA repair (HDR) assay, this alteration showed a functionally abnormal read-out (Olvera-Le&oacute;n R et al. Cell, 2024 Oct;187:5719-5734.e19). This nucleotide position is highly conserved in available vertebrate species. In silico splice site analysis predicts that this alteration will weaken the native splice donor site. RNA studies in the literature have demonstrated that this alteration results in impaired splicing (Sanoguera-Miralles L et al. Cancers (Basel), 2020 Dec;12:). Internal RNA studies have demonstrated that this alteration results in an incomplete splice defect; the clinical impact of this abnormal splicing is unknown at this time (Ambry internal data). Based on the available evidence, the clinical significance of this variant remains unclear.

Labcorp Genetics (formerly Invitae), Labcorp
Classification: Pathogenic for Fanconi anemia complementation group O. Last evaluated: 2025-11-16. Review status: criteria provided, single submitter. Criteria: Invitae Variant Classification Sherloc (09022015). Collection method: clinical testing. Allele origin: germline.
Comment: This sequence change falls in intron 3 of the RAD51C gene. It does not directly change the encoded amino acid sequence of the RAD51C protein. RNA analysis indicates that this variant induces altered splicing and may result in an absent or altered protein product. This variant is present in population databases (rs145779113, gnomAD 0.04%). This variant has been observed in individual(s) with breast and ovarian cancer and/or clinical features of Fanconi anemia (PMID: 21597919, 29278735, 30093976). In at least one individual the data is consistent with being in trans (on the opposite chromosome) from a pathogenic variant. ClinVar contains an entry for this variant (Variation ID: 216805). Variants that disrupt the consensus splice site are a relatively common cause of aberrant splicing (PMID: 17576681, 9536098). Studies have shown that this variant alters mRNA splicing and is expected to lead to the loss of protein expression (PMID: 33333735; internal data). For these reasons, this variant has been classified as Pathogenic.

German Consortium for Hereditary Breast and Ovarian Cancer, University Hospital Cologne
Classification: Likely pathogenic for Hereditary breast ovarian cancer syndrome. Last evaluated: 2025-07-09. Review status: criteria provided, single submitter. Criteria: ACMG Guidelines, 2015. Collection method: curation. Allele origin: germline.
Comment: This classification follows the ACMG SVI adaptation classification scheme; We chose these criteria: PVS1 (very strong pathogenic): laut Sanoguera-Miralles (2020) PMID: 33333735: Δ(E3): 91.5% ± 0.3% --> Tayoun (2018, PMID: 30192042) Single to multi exon deletion disrupts reading frame and is predicted to undergo NMD --> Exon is present in biologically-relevant transcript(s) --> PVS1_VSTR Labcorp internal data: Studies have shown that this variant alters mRNA splicing and is expected to lead to the loss of protein expression., PS3 (supporting pathogenic): Olvera-León (2024, PMID: 39299233): functional_classification: fast depleted, PM3 (supporting pathogenic): Jacquinet A (2018): chromosome breakage [mean number of breaks per cell was 1.06 (MMC) and 0.32 (DEB) - control was 0.04/0.08 / triradials and chromosomal gaps were increased]; phenotype unspecific [short stature, heart defect]

Quest Diagnostics Nichols Institute San Juan Capistrano
Classification: Likely pathogenic. Last evaluated: 2025-04-09. Review status: criteria provided, single submitter. Criteria: Quest Diagnostics criteria. Collection method: clinical testing. Allele origin: unknown.
Comment: The RAD51C c.571+5G>A variant has been reported in the published literature in individuals with breast and/or ovarian cancer (PMID: 21597919 (2011), 30093976 (2018), 33649982 (2021), 38509102 (2024)), and uterine and colorectal cancer (PMID: 34326862 (2021)). Functional studies demonstrated that this variant had a damaging effect on protein function, resulting in aberrant RAD51C splicing (PMID: 33333735 (2020)). The frequency of this variant in the general population (Genome Aggregation Database) is uninformative in the assessment of its pathogenicity. Analysis of this variant using software algorithms for the prediction of the effect of nucleotide changes on splicing yielded predictions that this variant may affect proper RAD51C mRNA splicing. Based on the available information, this variant is classified as likely pathogenic.

Myriad Genetics, Inc.
Classification: Likely pathogenic for Breast-ovarian cancer, familial, susceptibility to, 3. Last evaluated: 2024-12-11. Review status: criteria provided, single submitter. Criteria: Myriad Autosomal Dominant, Autosomal Recessive and X-Linked Classification Criteria (2023). Collection method: clinical testing. Allele origin: unknown.
Comment: This variant is considered likely pathogenic. Functional studies indicate this variant impacts protein function [PMID: 35740625, 39299233]. This variant has been reported in multiple individuals with clinical features of gene-specific disease [PMID: 29278735].

Women's Health and Genetics/Laboratory Corporation of America, LabCorp
Classification: Likely pathogenic for Fanconi anemia complementation group O. Last evaluated: 2024-10-18. Review status: criteria provided, single submitter. Criteria: LabCorp Variant Classification Summary - May 2015. Collection method: clinical testing. Allele origin: germline.
Comment: Variant summary: RAD51C c.571+5G>A alters a non-conserved nucleotide located close to a canonical splice site and therefore could affect mRNA splicing, leading to a significantly altered protein sequence. Several computational tools predict a significant impact on normal splicing: Three predict the variant weakens a 5' donor site. One predicts the variant abolishes a 5' splicing donor site. At least one publication reports experimental evidence that this variant affects mRNA splicing (example: Sanoguera-Miralles_2020). The variant allele was found at a frequency of 1.6e-05 in 251446 control chromosomes (gnomAD). c.571+5G>A has been reported in the literature in at least an individual affected with Fanconi Anemia as well as in individuals with breast and/or ovarian cancers (example: Jacquinet_2018, Pang_2011, Chan_2018, Yao_2022). The following publications have been ascertained in the context of this evaluation (PMID: 30093976, 29278735, 21597919, 33333735, 35186721). ClinVar contains an entry for this variant (Variation ID: 216805). Based on the evidence outlined above, the variant was classified as likely pathogenic.

Daryl Scott Lab, Baylor College of Medicine
Classification: Uncertain significance for Fanconi anemia complementation group O. Last evaluated: 2024-04-01. Review status: criteria provided, single submitter. Criteria: ACMG Guidelines, 2015. Collection method: clinical testing. Allele origin: paternal. Observed: 1 compound heterozygote.
Comment: PS3, PM2

NM_058216.3(RAD51C):c.571+5G>A

Gene: RAD51C (RAD51 paralog C; plus strand). Cytogenetic location: 17q22.
Variant type: single nucleotide variant.
Coding change: c.571+5G>A on transcript NM_058216.3 (MANE Select); 5 bases into the intron after coding-DNA position 571, G replaced by A.
Molecular consequence: intron variant.
Genome position (GRCh38, 1-based): chr17:58,696,864, G>A. VCF-style: chr17-58696864-G-A. GRCh37 (hg19) VCF-style: chr17-56774225-G-A.
Other names: c.571+5G>A (LRG_314t1).
Identifiers: ClinVar variation 216805 (VCV000216805.35), dbSNP rs145779113, ClinGen allele CA335708.